The following is an entry in ClinVar:

ClinVar aggregate classification (germline): Likely benign (1 of 4 stars; one submission).

gnomAD v4.1: 178 of 1,613,192 alleles (0.011%); highest among the groups gnomAD compares: Non-Finnish European, 0.014%; 2 homozygotes.

Submission:

CeGaT Center for Human Genetics Tuebingen
Classification: Likely benign. Last evaluated: 2026-05-01. Review status: criteria provided, single submitter. Criteria: CeGaT Center For Human Genetics Tuebingen Variant Classification Criteria Version 2. Collection method: clinical testing. Allele origin: germline. Affected: yes. Observed: 1 variant allele.
Comment: FLG: BP4, BP7

NM_002016.2(FLG):c.9786C>T (p.Ala3262=)

Genes: CCDST (cervical cancer associated DHX9 suppressive transcript; plus strand), FLG (filaggrin; minus strand). Cytogenetic location: 1q21.3.
Variant type: single nucleotide variant.
Coding change: c.9786C>T on transcript NM_002016.2 (MANE Select); coding-DNA position 9786, C replaced by T.
Protein change: p.Ala3262=; no amino-acid change (alanine 3262 retained).
Molecular consequence: synonymous variant.
Genome position (GRCh38, 1-based): chr1:152,305,100, G>A on the plus strand (C>T on the coding strand, the complement: FLG is on the minus strand). VCF-style: chr1-152305100-G-A. GRCh37 (hg19) VCF-style: chr1-152277576-G-A.
Identifiers: ClinVar variation 4872443 (VCV004872443.2).